The following is an entry in ClinVar:

ClinVar aggregate classification (germline): Uncertain significance. Review status: criteria provided, multiple submitters, no conflicts (2 of 4 stars). 3 submissions from 3 submitters: Uncertain significance (2). 1 of the submissions does not count toward it. Last evaluated 2024-11-14.

Conditions:
Leukoencephalopathy, progressive, with ovarian failure (LKENP). Identifiers: Orphanet 99853, MedGen C4014588, MONDO:0014387, OMIM 615889.
Inborn genetic diseases. Identifiers: MedGen C0950123, MeSH D030342.
Iron accumulation in brain. Identifiers: MedGen C4021076, HP:0012675.

Allele frequency attached by ClinVar (database versions not stated): TOPMed 0.00002; gnomAD 0.00004.
gnomAD v4.1: 7 of 1,614,008 alleles (0.00043%); highest among the groups gnomAD compares: African/African-American, 0.0067%; no homozygotes.

Submissions (3):

3billion
Classification: Uncertain significance for Leukoencephalopathy, progressive, with ovarian failure. Last evaluated: 2024-11-14. Review status: criteria provided, single submitter. Criteria: ACMG Guidelines, 2015. Collection method: clinical testing. Allele origin: germline. Affected: yes.
Comment: The variant is observed at an extremely low frequency in the gnomAD v4.1.0 dataset (total allele frequency: <0.001%). Predicted Consequence/Location: Missense variant In silico tool predictions suggest damaging effect of the variant on gene or gene product [REVEL: 0.88 (>=0.6, sensitivity 0.68 and specificity 0.92)]. The same nucleotide change resulting in the same amino acid change has been previously reported to be associated with AARS2 related disorder (ClinVar ID: VCV000812989 /PMID: 32581362). However, the evidence of pathogenicity is insufficient at this time. Therefore, this variant is classified as VUS according to the recommendation of ACMG/AMP guideline.

Ambry Genetics
Classification: Uncertain significance for Inborn genetic diseases. Last evaluated: 2018-07-02. Review status: criteria provided, single submitter. Criteria: Ambry exome assertion method (8-5-2015). Collection method: clinical testing. Allele origin: germline. Affected: yes. Observed: 1 variant allele.

NIHR Bioresource Rare Diseases, University of Cambridge
Classification: Likely pathogenic for Iron accumulation in brain. Review status: no assertion criteria provided. Collection method: research. Allele origin: unknown. Affected: yes. Observed: 1 variant allele. Not counted in ClinVar's aggregate classification.

Literature cited by the submitters: PubMed 32581362 (cited by 3billion and NIHR Bioresource Rare Diseases, University of Cambridge).

NM_020745.4(AARS2):c.302G>A (p.Arg101His)

Gene: AARS2 (alanyl-tRNA synthetase 2, mitochondrial; minus strand). Cytogenetic location: 6p21.1.
Variant type: single nucleotide variant.
Coding change: c.302G>A on transcript NM_020745.4 (MANE Select); coding-DNA position 302, G replaced by A.
Protein change: p.Arg101His; replaces arginine 101 with histidine.
Molecular consequence: missense variant.
Genome position (GRCh38, 1-based): chr6:44,312,205, C>T on the plus strand (G>A on the coding strand, the complement: AARS2 is on the minus strand). VCF-style: chr6-44312205-C-T. GRCh37 (hg19) VCF-style: chr6-44279942-C-T.
Other names: short protein forms R101H.
Identifiers: ClinVar variation 812989 (VCV000812989.5), dbSNP rs545566267, ClinGen allele CA138395250.